The following is an entry in ClinVar:

NM_001134665.3(TRMT10A):c.389C>T (p.Ala130Val)

Gene: TRMT10A (tRNA methyltransferase 10A; minus strand). Cytogenetic location: 4q23.
Variant type: single nucleotide variant.
Coding change: c.389C>T on transcript NM_001134665.3 (MANE Select); coding-DNA position 389, C replaced by T.
Protein change: p.Ala130Val; replaces alanine 130 with valine.
Molecular consequence: missense variant.
Genome position (GRCh38, 1-based): chr4:99,557,376, G>A on the plus strand (C>T on the coding strand, the complement: TRMT10A is on the minus strand). VCF-style: chr4-99557376-G-A. GRCh37 (hg19) VCF-style: chr4-100478533-G-A.
Other names: c.389C>T, p.Ala130Val (NM_001134666.3, NM_001375880.1, NM_001375881.1 and 2 more transcripts); short protein forms A130V.
Identifiers: ClinVar variation 2228043 (VCV002228043.2), dbSNP rs1044515862, ClinGen allele CA102655932.

ClinVar aggregate classification (germline): Uncertain significance (1 of 4 stars; one submission).

Conditions:
Inborn genetic diseases. Identifiers: MedGen C0950123, MeSH D030342.

Allele frequency attached by ClinVar (database versions not stated): gnomAD exomes below 0.00001; gnomAD 0.00001; TOPMed 0.00002.
gnomAD v4.1: 5 of 1,613,414 alleles (0.00031%); highest among the groups gnomAD compares: Non-Finnish European, 0.00025%; no homozygotes.

Submission:

Ambry Genetics
Classification: Uncertain significance for Inborn genetic diseases. Last evaluated: 2020-11-19. Review status: criteria provided, single submitter. Criteria: Ambry Variant Classification Scheme 2023. Collection method: clinical testing. Allele origin: germline.
Comment: The c.389C>T (p.A130V) alteration is located in exon 4 (coding exon 3) of the TRMT10A gene. This alteration results from a C to T substitution at nucleotide position 389, causing the alanine (A) at amino acid position 130 to be replaced by a valine (V). The in silico prediction for the p.A130V alteration is inconclusive. Based on insufficient or conflicting evidence, the clinical significance of this alteration remains unclear.